The following is an entry in ClinVar:

NM_170707.4(LMNA):c.1058AGC[4] (p.Gln355_Leu356insGln)

Gene: LMNA (lamin A/C; plus strand). Cytogenetic location: 1q22.
Variant type: Microsatellite.
Coding change: c.1058AGC[4] on transcript NM_170707.4 (MANE Select); four copies in a row of the 3-base unit AGC starting at c.1058; the reference has three copies in a row; one copy, 3 bases duplicated.
Protein change: p.Gln355_Leu356insGln.
Molecular consequence: inframe insertion. On other transcripts: inframe indel (23).
Genome position (GRCh38, 1-based): chr1:156,136,028-156,136,030, AGC duplicated; duplicating any 3 consecutive bases within chr1:156,136,020-156,136,030 gives the same sequence; the position shown is the placement nearest the transcript's 3' end. VCF-style (leftmost placement, unchanged base first): chr1-156136019-T-TGCA. GRCh37 (hg19) VCF-style: chr1-156105810-T-TGCA.
Other names: c.722AGC[4], p.Gln243_Leu244insGln (NM_001257374.3); c.815AGC[4], p.Gln274_Leu275insGln (NM_001282624.2); c.1058AGC[4], p.Gln355_Leu356insGln (NM_001282625.2, NM_001282626.2, NM_005572.4 and 1 more transcripts); c.1058_1060AGC[4], p.Gln355_Leu356insGln (NM_001406983.1, NM_001406984.1, NM_001406985.1 and 3 more transcripts); c.815_817AGC[4], p.Gln274_Leu275insGln (NM_001406986.1, NM_001406987.1); c.761_763AGC[4], p.Gln256_Leu257insGln (NM_001406988.1); c.722_724AGC[4], p.Gln243_Leu244insGln (NM_001406989.1, NM_001406998.1); c.500_502AGC[4], p.Gln169_Leu170insGln (NM_001406990.1, NM_001406993.1, NM_001406995.1 and 4 more transcripts); and 2 more.
Identifiers: ClinVar variation 1781137 (VCV001781137.2), dbSNP rs267607635, ClinGen allele CA2580611202.
Genomic context (GRCh38, chr1:156,136,019, plus strand): 5'-ACACCAGCCGGCGGCTGCTGGCGGAAAAGGAGCGGGAGATGGCCGAGATGCGGGCAAGGA[T>TGCA]GCAGCAGCAGCTGGACGAGTACCAGGAGCTTCTGGACATCAAGCTGGCCCTGGACATGGA-3'

ClinVar aggregate classification (germline): Uncertain significance (1 of 4 stars; one submission).

Conditions:
Cardiovascular phenotype. Identifiers: MedGen CN230736.

Submission:

Ambry Genetics
Classification: Uncertain significance for Cardiovascular phenotype. Last evaluated: 2020-11-22. Review status: criteria provided, single submitter. Criteria: Ambry Variant Classification Scheme 2023. Collection method: clinical testing. Allele origin: germline.
Comment: The c.1064_1066dupAGC variant (also known as p.Q355dup), located in coding exon 6 of the LMNA gene, results from an in-frame duplication of AGC at nucleotide positions 1064 to 1066. This results in the duplication of an extra residue between codons 355 and 356. This amino acid position is highly conserved in available vertebrate species. In addition, this alteration is predicted to be deleterious by in silico analysis (Choi Y et al. PLoS ONE. 2012; 7(10):e46688). Since supporting evidence is limited at this time, the clinical significance of this alteration remains unclear.